The following is an entry in ClinVar:

NM_006846.4(SPINK5):c.506G>C (p.Arg169Thr)

Gene: SPINK5 (serine peptidase inhibitor Kazal type 5; plus strand). Cytogenetic location: 5q32.
Variant type: single nucleotide variant.
Coding change: c.506G>C on transcript NM_006846.4 (MANE Select); coding-DNA position 506, G replaced by C.
Protein change: p.Arg169Thr; replaces arginine 169 with threonine.
Molecular consequence: missense variant.
Genome position (GRCh38, 1-based): chr5:148,089,525, G>C. VCF-style: chr5-148089525-G-C. GRCh37 (hg19) VCF-style: chr5-147469088-G-C.
Other names: c.506G>C, p.Arg169Thr (NM_001127698.2, NM_001127699.2); short protein forms R169T.
Identifiers: ClinVar variation 1990520 (VCV001990520.2), dbSNP rs1219255941, ClinGen allele CA361890336.

ClinVar aggregate classification (germline): Uncertain significance (1 of 4 stars; one submission).

Conditions:
Ichthyosis linearis circumflexa. Identifiers: MedGen C0265962, MONDO:0043106, HP:0025810.

Allele frequency attached by ClinVar (database versions not stated): gnomAD exomes below 0.00001; gnomAD 0.00001; TOPMed 0.00002.
gnomAD v4.1: 4 of 1,611,828 alleles (0.00025%); highest among the groups gnomAD compares: Admixed American, 0.0067%; no homozygotes.

Submission:

Labcorp Genetics (formerly Invitae), Labcorp
Classification: Uncertain significance for Ichthyosis linearis circumflexa. Last evaluated: 2022-09-07. Review status: criteria provided, single submitter. Criteria: Invitae Variant Classification Sherloc (09022015). Collection method: clinical testing. Allele origin: germline.
Comment: In summary, the available evidence is currently insufficient to determine the role of this variant in disease. Therefore, it has been classified as a Variant of Uncertain Significance. Algorithms developed to predict the effect of sequence changes on RNA splicing suggest that this variant may disrupt the consensus splice site. Algorithms developed to predict the effect of missense changes on protein structure and function (SIFT, PolyPhen-2, Align-GVGD) all suggest that this variant is likely to be tolerated. This variant has not been reported in the literature in individuals affected with SPINK5-related conditions. This variant is present in population databases (no rsID available, gnomAD 0.003%). This sequence change replaces arginine, which is basic and polar, with threonine, which is neutral and polar, at codon 169 of the SPINK5 protein (p.Arg169Thr).